The following is an entry in ClinVar:

NM_015175.2(NBEAL2):c.6920delG

Gene: NBEAL2 (neurobeachin like 2; plus strand). Cytogenetic location: 3p21.31.
Variant type: Deletion.
Coding change: c.6920delG on transcript NM_015175.2; coding-DNA position 6920, one base deleted (G).
Genome position (GRCh38, 1-based): chr3:47,006,167, G deleted; the last of 4 consecutive G bases (chr3:47,006,164-47,006,167); deleting any one gives the same sequence. VCF-style (leftmost placement, unchanged base first): chr3-47006163-AG-A. GRCh37 (hg19) VCF-style: chr3-47047653-AG-A.
Identifiers: ClinVar variation 1684441 (VCV001684441.2), dbSNP rs948953674, ClinGen allele CA73827487.
Genomic context (GRCh38, chr3:47,006,163, plus strand): 5'-ATCAGGTCGGGTGGATGCAGAGGGCACGCAGGGAGCCCTGACTGCTCTGCCTGCCTTCCC[AG>A]GGGCTGTAGACCTGGACCATGTGACAGATGAGCGGGAACGGAAGGCTCTGGAGGGCATTA-3'

ClinVar aggregate classification (germline): Likely pathogenic (0 of 4 stars; one submission).

Conditions:
Gray platelet syndrome (GPS). Also called: BLEEDING DISORDER, PLATELET-TYPE, 4. Identifiers: Orphanet 721, MedGen C0272302, MONDO:0007686, OMIM 139090.

Submission:

ISTH-SSC Genomics in Thrombosis and Hemostasis, KU Leuven, Center for Molecular and Vascular Biology
Classification: Likely pathogenic for Gray platelet syndrome. Review status: no assertion criteria provided. Collection method: research. Allele origin: unknown. Affected: yes.
Comment: Submitted to GoldVariant by Dr Marie-Christine Morel-Kopp from Northern Blood Research Centre, Sydney, Australia